The following is an entry in ClinVar:

ClinVar aggregate classification (germline): Uncertain significance (1 of 4 stars; one submission).

Conditions:
Dilated cardiomyopathy 1DD (CMD1DD). Identifiers: Orphanet 154, MedGen C2750995, MONDO:0013168, OMIM 613172.

Allele frequency attached by ClinVar (database versions not stated): gnomAD exomes below 0.00001 and 0.00001; ExAC 0.00005.
gnomAD v4.1: 2 of 1,550,692 alleles (0.00013%); highest among the groups gnomAD compares: Non-Finnish European, 0.00017%; no homozygotes.

Submission:

Labcorp Genetics (formerly Invitae), Labcorp
Classification: Uncertain significance for Dilated cardiomyopathy 1DD. Last evaluated: 2021-09-01. Review status: criteria provided, single submitter. Criteria: Invitae Variant Classification Sherloc (09022015). Collection method: clinical testing. Allele origin: germline.
Comment: This sequence change replaces serine with leucine at codon 485 of the RBM20 protein (p.Ser485Leu). The serine residue is weakly conserved and there is a large physicochemical difference between serine and leucine. This variant is present in population databases (rs764016326, ExAC 0.01%). This variant has not been reported in the literature in individuals affected with RBM20-related conditions. Advanced modeling of protein sequence and biophysical properties (such as structural, functional, and spatial information, amino acid conservation, physicochemical variation, residue mobility, and thermodynamic stability) performed at Invitae indicates that this missense variant is not expected to disrupt RBM20 protein function. In summary, the available evidence is currently insufficient to determine the role of this variant in disease. Therefore, it has been classified as a Variant of Uncertain Significance.

NM_001134363.3(RBM20):c.1454C>T (p.Ser485Leu)

Gene: RBM20 (RNA binding motif protein 20; plus strand). Cytogenetic location: 10q25.2.
Variant type: single nucleotide variant.
Coding change: c.1454C>T on transcript NM_001134363.3 (MANE Select); coding-DNA position 1454, C replaced by T.
Protein change: p.Ser485Leu; replaces serine 485 with leucine.
Molecular consequence: missense variant.
Genome position (GRCh38, 1-based): chr10:110,784,816, C>T. VCF-style: chr10-110784816-C-T. GRCh37 (hg19) VCF-style: chr10-112544574-C-T.
Other names: short protein forms S485L.
Identifiers: ClinVar variation 1052191 (VCV001052191.6), dbSNP rs764016326, ClinGen allele CA5688603.